The following is an entry in ClinVar:

NM_002528.7(NTHL1):c.21G>C (p.Arg7Ser)

Gene: NTHL1 (nth like DNA glycosylase 1; minus strand). Cytogenetic location: 16p13.3.
Variant type: single nucleotide variant.
Coding change: c.21G>C on transcript NM_002528.7 (MANE Select); coding-DNA position 21, G replaced by C.
Protein change: p.Arg7Ser; replaces arginine 7 with serine.
Molecular consequence: missense variant. On other transcripts: 5 prime UTR variant (1).
Genome position (GRCh38, 1-based): chr16:2,047,803, C>G on the plus strand (G>C on the coding strand, the complement: NTHL1 is on the minus strand). VCF-style: chr16-2047803-C-G. GRCh37 (hg19) VCF-style: chr16-2097804-C-G.
Other names: c.45G>C (NM_002528.5); c.21G>C, p.Arg7Ser (NM_001318193.2); c.-158G>C (NM_001318194.2); short protein forms R7S.
Identifiers: ClinVar variation 1518106 (VCV001518106.5), dbSNP rs762030002, ClinGen allele CA276766773.
Genomic context (GRCh38, chr16:2,047,803, plus strand): 5'-CTCCTCCCTACACCCCCGCGGCCCAGCCCCGGGTCCCAGGCTCCGGCTCCGGGTCAGCAT[C>G]CTCGCGCTCAAGGCGGTCATGCCGGACTCCTGCGGACTACACATCCCGGCGGCCCATGCG-3'
Protein context (NP_002519.2, residues 1-17): MTALSA[Arg7Ser]MLTRSRSLGP

ClinVar aggregate classification (germline): Uncertain significance. Review status: criteria provided, multiple submitters, no conflicts (2 of 4 stars). 2 submissions from 2 submitters: Uncertain significance (2). Last evaluated 2024-03-19.

Conditions:
Hereditary cancer-predisposing syndrome. Also called: Tumor predisposition; Neoplastic Syndromes, Hereditary; Hereditary neoplastic syndrome; Hereditary Cancer Syndrome. Identifiers: Orphanet 140162, MedGen C0027672, MeSH D009386, MONDO:0015356.

Submissions (2):

Ambry Genetics
Classification: Uncertain significance for Hereditary cancer-predisposing syndrome. Last evaluated: 2024-03-19. Review status: criteria provided, single submitter. Criteria: Ambry Variant Classification Scheme 2023. Collection method: clinical testing. Allele origin: germline.
Comment: The p.R15S variant (also known as c.45G>C), located in coding exon 1 of the NTHL1 gene, results from a G to C substitution at nucleotide position 45. The arginine at codon 15 is replaced by serine, an amino acid with dissimilar properties. This amino acid position is conserved. In addition, this alteration is predicted to be tolerated by in silico analysis. Based on the available evidence, the clinical significance of this alteration remains unclear.

Labcorp Genetics (formerly Invitae), Labcorp
Classification: Uncertain significance. Last evaluated: 2021-03-21. Review status: criteria provided, single submitter. Criteria: Invitae Variant Classification Sherloc (09022015). Collection method: clinical testing. Allele origin: germline.
Comment: In summary, the available evidence is currently insufficient to determine the role of this variant in disease. Therefore, it has been classified as a Variant of Uncertain Significance. Algorithms developed to predict the effect of missense changes on protein structure and function are either unavailable or do not agree on the potential impact of this missense change (SIFT: "Not Available"; PolyPhen-2: "Probably Damaging"; Align-GVGD: "Not Available"). This variant has not been reported in the literature in individuals with NTHL1-related conditions. This variant is not present in population databases (ExAC no frequency). This sequence change replaces arginine with serine at codon 15 of the NTHL1 protein (p.Arg15Ser). The arginine residue is moderately conserved and there is a moderate physicochemical difference between arginine and serine.